The following is an entry in ClinVar:

NM_001103.4(ACTN2):c.2138C>T (p.Thr713Met)

Gene: ACTN2 (actinin alpha 2; plus strand). Cytogenetic location: 1q43.
Variant type: single nucleotide variant.
Coding change: c.2138C>T on transcript NM_001103.4 (MANE Select); coding-DNA position 2138, C replaced by T.
Protein change: p.Thr713Met; replaces threonine 713 with methionine.
Molecular consequence: missense variant.
Genome position (GRCh38, 1-based): chr1:236,755,182, C>T. VCF-style: chr1-236755182-C-T. GRCh37 (hg19) VCF-style: chr1-236918482-C-T.
Other names: c.2138C>T (NM_001103.2); c.2138C>T, p.Thr713Met (NM_001278343.2); c.1514C>T, p.Thr505Met (NM_001278344.2); short protein forms T713M, T505M.
Identifiers: ClinVar variation 566457 (VCV000566457.9), dbSNP rs764538888, ClinGen allele CA1473351.

ClinVar aggregate classification (germline): Uncertain significance. Review status: criteria provided, multiple submitters, no conflicts (2 of 4 stars). 3 submissions from 3 submitters: Uncertain significance (3). Last evaluated 2023-12-19.

Conditions:
Cardiovascular phenotype. Identifiers: MedGen CN230736.
Dilated cardiomyopathy 1AA (CMD1AA). Also called: CARDIOMYOPATHY, DILATED, 1AA, WITH OR WITHOUT LEFT VENTRICULAR NONCOMPACTION; Cardiomyopathy, dilated, 1AA, with or without LVNC; CARDIOMYOPATHY, FAMILIAL HYPERTROPHIC, 23, WITH OR WITHOUT LEFT VENTRICULAR NONCOMPACTION. Identifiers: Orphanet 154, MedGen C2677338, MONDO:0012808, OMIM 612158.
Primary familial hypertrophic cardiomyopathy (HCM). Identifiers: Orphanet 99739, MedGen C0949658, MeSH D024741, MONDO:0024573. Inheritance: Various modes of inheritance.

Allele frequency attached by ClinVar (database versions not stated): gnomAD exomes 0.00001; ExAC 0.00002; gnomAD 0.00002; TOPMed 0.00002.
gnomAD v4.1: 6 of 1,613,982 alleles (0.00037%); highest among the groups gnomAD compares: African/African-American, 0.0027%; no homozygotes.

Submissions (3):

Revvity Omics, Revvity
Classification: Uncertain significance. Last evaluated: 2023-12-19. Review status: criteria provided, single submitter. Criteria: ACMG Guidelines, 2015. Collection method: clinical testing. Allele origin: germline.

Ambry Genetics
Classification: Uncertain significance for Cardiovascular phenotype. Last evaluated: 2023-02-05. Review status: criteria provided, single submitter. Criteria: Ambry Variant Classification Scheme 2023. Collection method: clinical testing. Allele origin: germline.
Comment: The p.T713M variant (also known as c.2138C>T), located in coding exon 17 of the ACTN2 gene, results from a C to T substitution at nucleotide position 2138. The threonine at codon 713 is replaced by methionine, an amino acid with similar properties. This amino acid position is conserved. In addition, the in silico prediction for this alteration is inconclusive. Since supporting evidence is limited at this time, the clinical significance of this alteration remains unclear.

Labcorp Genetics (formerly Invitae), Labcorp
Classification: Uncertain significance for Primary familial hypertrophic cardiomyopathy; Dilated cardiomyopathy 1AA. Last evaluated: 2022-09-28. Review status: criteria provided, single submitter. Criteria: Invitae Variant Classification Sherloc (09022015). Collection method: clinical testing. Allele origin: germline.
Comment: This sequence change replaces threonine, which is neutral and polar, with methionine, which is neutral and non-polar, at codon 713 of the ACTN2 protein (p.Thr713Met). This variant is present in population databases (rs764538888, gnomAD 0.002%). This variant has not been reported in the literature in individuals affected with ACTN2-related conditions. ClinVar contains an entry for this variant (Variation ID: 566457). Advanced modeling of protein sequence and biophysical properties (such as structural, functional, and spatial information, amino acid conservation, physicochemical variation, residue mobility, and thermodynamic stability) performed at Invitae indicates that this missense variant is expected to disrupt ACTN2 protein function. In summary, the available evidence is currently insufficient to determine the role of this variant in disease. Therefore, it has been classified as a Variant of Uncertain Significance.